The following is an entry in ClinVar:

ClinVar aggregate classification (germline): Uncertain significance (1 of 4 stars; one submission).

Allele frequency attached by ClinVar (database versions not stated): gnomAD exomes below 0.00001.
gnomAD v4.1: 1 of 1,613,740 alleles (0.000062%); highest among the groups gnomAD compares: Non-Finnish European, 0.000085%; no homozygotes.

Submission:

Ambry Genetics
Classification: Uncertain significance. Last evaluated: 2023-06-28. Review status: criteria provided, single submitter. Criteria: Ambry Variant Classification Scheme 2023. Collection method: clinical testing. Allele origin: germline.
Comment: The p.N210K variant (also known as c.630C>A), located in coding exon 6 of the STAP1 gene, results from a C to A substitution at nucleotide position 630. The asparagine at codon 210 is replaced by lysine, an amino acid with similar properties. This amino acid position is conserved. In addition, this alteration is predicted to be tolerated by in silico analysis. Since supporting evidence is limited at this time, the clinical significance of this alteration remains unclear.

NM_012108.4(STAP1):c.630C>A (p.Asn210Lys)

Gene: STAP1 (signal transducing adaptor family member 1; plus strand). Cytogenetic location: 4q13.2.
Variant type: single nucleotide variant.
Coding change: c.630C>A on transcript NM_012108.4 (MANE Select); coding-DNA position 630, C replaced by A.
Protein change: p.Asn210Lys; replaces asparagine 210 with lysine.
Molecular consequence: missense variant.
Genome position (GRCh38, 1-based): chr4:67,583,673, C>A. VCF-style: chr4-67583673-C-A. GRCh37 (hg19) VCF-style: chr4-68449391-C-A.
Other names: c.630C>A, p.Asn210Lys (NM_001317769.2); short protein forms N210K.
Identifiers: ClinVar variation 2625612 (VCV002625612.2), dbSNP rs1727916663, ClinGen allele CA357053344.